The following is an entry in ClinVar:

NM_004646.4(NPHS1):c.1170+7C>T

Gene: NPHS1 (NPHS1 adhesion molecule, nephrin; minus strand). Cytogenetic location: 19q13.12.
Variant type: single nucleotide variant.
Coding change: c.1170+7C>T on transcript NM_004646.4 (MANE Select); 7 bases into the intron after coding-DNA position 1170, C replaced by T.
Molecular consequence: intron variant.
Genome position (GRCh38, 1-based): chr19:35,848,630, G>A on the plus strand (C>T on the coding strand, the complement: NPHS1 is on the minus strand). VCF-style: chr19-35848630-G-A. GRCh37 (hg19) VCF-style: chr19-36339532-G-A.
Identifiers: ClinVar variation 551740 (VCV000551740.7), dbSNP rs906888001, ClinGen allele CA307787363.

ClinVar aggregate classification (germline): Conflicting classifications of pathogenicity. Review status: criteria provided, conflicting classifications (1 of 4 stars). 3 submissions from 3 submitters: Likely pathogenic (1); Uncertain significance (1). 1 of the submissions does not count toward it. Last evaluated 2026-03-25.

Conditions:
NPHS1-related disorder. Also called: NPHS1-related condition.
Finnish congenital nephrotic syndrome (NPHS1). Also called: NEPHROTIC SYNDROME, TYPE 1. Identifiers: Orphanet 839, MedGen C0403399, MONDO:0009732, OMIM 256300.

Allele frequency attached by ClinVar (database versions not stated): gnomAD exomes below 0.00001; gnomAD 0.00001; TOPMed 0.00003.
gnomAD v4.1: 7 of 1,612,602 alleles (0.00043%); highest among the groups gnomAD compares: Admixed American, 0.0033%; no homozygotes.

Submissions (3):

PreventionGenetics, part of Exact Sciences
Classification: Likely pathogenic for NPHS1-related condition. Last evaluated: 2026-03-25. Review status: criteria provided, single submitter. Criteria: ACMG Guidelines, 2015. Collection method: clinical testing. Allele origin: germline.
Comment: The NPHS1 c.1170+7C>T variant is predicted to interfere with splicing. This variant has been reported with a NPHS1 nonsense variant in an individual with congenital nephrotic syndrome (Machuca et al 2010. PubMed ID: 20507940). This variant is reported in 0.0029% of alleles in individuals of Latino descent in gnomAD. This variant is interpreted as likely pathogenic.

Fulgent Genetics
Classification: Uncertain significance for Finnish congenital nephrotic syndrome. Last evaluated: 2022-01-06. Review status: criteria provided, single submitter. Criteria: ACMG Guidelines, 2015. Collection method: clinical testing. Allele origin: unknown.

Counsyl
Classification: Uncertain significance for Finnish congenital nephrotic syndrome. Last evaluated: 2017-05-05. Review status: no assertion criteria provided. Collection method: clinical testing. Allele origin: unknown. Not counted in ClinVar's aggregate classification.

Literature cited by the submitters: PubMed 20507940 (cited by Counsyl).